The following is an entry in ClinVar:

NM_005055.5(RAPSN):c.670_672dup (p.Ser224dup)

Gene: RAPSN (receptor associated protein of the synapse; minus strand). Cytogenetic location: 11p11.2.
Variant type: Duplication.
Coding change: c.670_672dup on transcript NM_005055.5 (MANE Select); coding-DNA positions 670 to 672, 3 bases duplicated (AGT; older notation c.670_672dupAGT).
Protein change: p.Ser224dup; duplicates serine 224.
Molecular consequence: inframe insertion.
Genome position (GRCh38, 1-based): chr11:47,442,674-47,442,676, ACT duplicated on the plus strand (AGT on the coding strand, the reverse complement: RAPSN is on the minus strand). VCF-style (leftmost placement, unchanged base first): chr11-47442673-C-CACT. GRCh37 (hg19) VCF-style: chr11-47464225-C-CACT.
Other names: c.670_672dup, p.Ser224dup (NM_032645.5); c.670_672dupAGT (NM_005055.4).
Identifiers: ClinVar variation 555203 (VCV000555203.4), dbSNP rs1555142799, ClinGen allele CA658822290.
Genomic context (GRCh38, chr11:47,442,673, plus strand): 5'-ACACCACCTCATCCCCGACCTGCCCCCTTCCCCGCTGCCCCACCTCACAACACTCCATGG[C>CACT]ACTGCCCAGGCGGCCCAGCAGGCGATAGGCCACGGCCATGTGGTACTGGCTCATGGCCCG-3'

ClinVar aggregate classification (germline): Uncertain significance. Review status: criteria provided, single submitter (1 of 4 stars). 2 submissions from 2 submitters: Uncertain significance (1). 1 of the submissions does not count toward it. Last evaluated 2021-11-26.

Conditions:
Fetal akinesia deformation sequence 1 (FADS1). Also called: Pena-Shokeir syndrome type I; Fetal akinesia sequence. Identifiers: Orphanet 994, MedGen C1276035, MONDO:0100101, OMIM 208150, HP:0001989.
Congenital myasthenic syndrome 11. Also called: MYASTHENIC SYNDROME, CONGENITAL, Ie; Myasthenic syndrome, congenital, 11, associated with acetylcholine receptor deficiency. Identifiers: Orphanet 590, MedGen C4225367, MONDO:0014588, OMIM 616326.

Submissions (2):

Labcorp Genetics (formerly Invitae), Labcorp
Classification: Uncertain significance for Congenital myasthenic syndrome 11; Fetal akinesia deformation sequence 1. Last evaluated: 2021-11-26. Review status: criteria provided, single submitter. Criteria: Invitae Variant Classification Sherloc (09022015). Collection method: clinical testing. Allele origin: germline.
Comment: This variant, c.670_672dup, results in the insertion of 1 amino acid(s) of the RAPSN protein (p.Ser224dup), but otherwise preserves the integrity of the reading frame. This variant is not present in population databases (gnomAD no frequency). This variant has been observed in individual(s) with clinical features of RAPSN-related conditions (Invitae). In at least one individual the data is consistent with being in trans (on the opposite chromosome) from a pathogenic variant. ClinVar contains an entry for this variant (Variation ID: 555203). Experimental studies and prediction algorithms are not available or were not evaluated, and the functional significance of this variant is currently unknown. In summary, the available evidence is currently insufficient to determine the role of this variant in disease. Therefore, it has been classified as a Variant of Uncertain Significance.

Counsyl
Classification: Uncertain significance for Fetal akinesia deformation sequence 1; Congenital myasthenic syndrome 11. Last evaluated: 2017-11-29. Review status: no assertion criteria provided. Collection method: clinical testing. Allele origin: unknown. Not counted in ClinVar's aggregate classification.